The following is an entry in ClinVar:

ClinVar aggregate classification (germline): Uncertain significance (1 of 4 stars; one submission).

Allele frequency attached by ClinVar (database versions not stated): gnomAD exomes below 0.00001.
gnomAD v4.1: 2 of 1,433,364 alleles (0.00014%); highest among the groups gnomAD compares: South Asian, 0.0012%; no homozygotes.

Submission:

Labcorp Genetics (formerly Invitae), Labcorp
Classification: Uncertain significance. Last evaluated: 2022-05-03. Review status: criteria provided, single submitter. Criteria: Invitae Variant Classification Sherloc (09022015). Collection method: clinical testing. Allele origin: germline.
Comment: In summary, the available evidence is currently insufficient to determine the role of this variant in disease. Therefore, it has been classified as a Variant of Uncertain Significance. Variants that disrupt the consensus splice site are a relatively common cause of aberrant splicing (PMID: 17576681, 9536098). Algorithms developed to predict the effect of sequence changes on RNA splicing suggest that this variant is not likely to affect RNA splicing. This variant has not been reported in the literature in individuals affected with GUCY2C-related conditions. This variant is present in population databases (no rsID available, gnomAD 0.003%). This sequence change affects codon 570 of the GUCY2C mRNA. It is a 'silent' change, meaning that it does not change the encoded amino acid sequence of the GUCY2C protein. This variant also falls at the last nucleotide of exon 15, which is part of the consensus splice site for this exon.

Literature cited by the submitters: PubMed 17576681; PubMed 9536098.

NM_004963.4(GUCY2C):c.1710G>A (p.Arg570=)

Gene: GUCY2C (guanylate cyclase 2C; minus strand). Cytogenetic location: 12p12.3.
Variant type: single nucleotide variant.
Coding change: c.1710G>A on transcript NM_004963.4 (MANE Select); coding-DNA position 1710, G replaced by A.
Protein change: p.Arg570=; no amino-acid change (arginine 570 retained).
Molecular consequence: synonymous variant.
Genome position (GRCh38, 1-based): chr12:14,651,407, C>T on the plus strand (G>A on the coding strand, the complement: GUCY2C is on the minus strand). VCF-style: chr12-14651407-C-T. GRCh37 (hg19) VCF-style: chr12-14804341-C-T.
Identifiers: ClinVar variation 2094272 (VCV002094272.4), dbSNP rs1420304473, ClinGen allele CA478715750.